The following is an entry in ClinVar:

ClinVar aggregate classification (germline): Conflicting classifications of pathogenicity. Review status: criteria provided, conflicting classifications (1 of 4 stars). 9 submissions from 7 submitters: Uncertain significance (3); Benign (1); Likely benign (4). 1 of the submissions does not count toward it. Last evaluated 2026-01-16.

Conditions:
Dyskeratosis congenita, autosomal dominant 2. Identifiers: MedGen C3151443, MONDO:0013521, OMIM 613989.
Idiopathic Pulmonary Fibrosis. Also called: Idiopathic fibrosing alveolitis, chronic form; idiopathic fibrosing alveolitis. Identifiers: Orphanet 2032, MedGen C1800706, MeSH D054990, MONDO:0800504.
TERT-related disorder. Also called: TERT-related condition; TERT-related disorders.
Pulmonary fibrosis and/or bone marrow failure, Telomere-related, 1. Also called: PULMONARY FIBROSIS AND/OR BONE MARROW FAILURE SYNDROME, TELOMERE-RELATED, 1. Identifiers: Orphanet 88, MedGen C3553617, MONDO:0013878, OMIM 614742.
Dyskeratosis congenita. Identifiers: Orphanet 1775, MedGen C0265965, MONDO:0015780.
Melanoma, cutaneous malignant, susceptibility to, 9. Also called: Cutaneous malignant melanoma 9. Identifiers: Orphanet 618, MedGen C3554574, MONDO:0014056, OMIM 615134.
Interstitial lung disease 2 (ILD2). Also called: FIBROCYSTIC PULMONARY DYSPLASIA; FIBROSING ALVEOLITIS, CRYPTOGENIC; Familial idiopathic pulmonary fibrosis. Identifiers: Orphanet 2032, Orphanet 79126, MedGen C5561926, MONDO:0800497, OMIM 178500, MONDO:0800029.
Aplastic anemia. Identifiers: Orphanet 182040, Orphanet 88, MedGen C0002874, MONDO:0015909, OMIM 609135, HP:0001915.

Allele frequency attached by ClinVar (database versions not stated): ExAC below 0.00001; gnomAD exomes 0.00006 and 0.00038; gnomAD 0.00008 and 0.00009; TOPMed 0.00012.
gnomAD v4.1: 526 of 1,551,618 alleles (0.034%); highest among the groups gnomAD compares: Non-Finnish European, 0.045%; no homozygotes.

Submissions (9):

Labcorp Genetics (formerly Invitae), Labcorp
Classification: Likely benign for Dyskeratosis congenita, autosomal dominant 2; Idiopathic Pulmonary Fibrosis. Last evaluated: 2026-01-16. Review status: criteria provided, single submitter. Criteria: Invitae Variant Classification Sherloc (09022015). Collection method: clinical testing. Allele origin: germline.

KCCC/NGS Laboratory, Kuwait Cancer Control Center
Classification: Benign for Melanoma, cutaneous malignant, susceptibility to, 9. Last evaluated: 2025-02-01. Review status: criteria provided, single submitter. Criteria: ACMG Guidelines, 2015. Collection method: clinical testing. Allele origin: germline. Affected: no.

Ambry Genetics
Classification: Likely benign for Dyskeratosis congenita. Last evaluated: 2022-02-12. Review status: criteria provided, single submitter. Criteria: Ambry Variant Classification Scheme 2023. Collection method: clinical testing. Allele origin: germline.

Sema4
Classification: Likely benign for Dyskeratosis congenita. Last evaluated: 2021-08-09. Review status: criteria provided, single submitter. Criteria: Sema4 Curation Guidelines. Collection method: curation. Allele origin: germline.

Mendelics
Classification: Likely benign for Interstitial lung disease 2. Last evaluated: 2019-05-28. Review status: criteria provided, single submitter. Criteria: Mendelics Assertion Criteria 2017. Collection method: clinical testing. Allele origin: unknown.

Illumina Laboratory Services, Illumina
Classification: Uncertain significance for Pulmonary fibrosis and/or bone marrow failure, Telomere-related, 1. Last evaluated: 2018-01-13. Review status: criteria provided, single submitter. Criteria: ICSL Variant Classification Criteria 13 December 2019. Collection method: clinical testing. Allele origin: germline.

Illumina Laboratory Services, Illumina
Classification: Uncertain significance for Aplastic anemia. Last evaluated: 2018-01-13. Review status: criteria provided, single submitter. Criteria: ICSL Variant Classification Criteria 13 December 2019. Collection method: clinical testing. Allele origin: germline.

Illumina Laboratory Services, Illumina
Classification: Uncertain significance for Dyskeratosis congenita, autosomal dominant 2. Last evaluated: 2018-01-13. Review status: criteria provided, single submitter. Criteria: ICSL Variant Classification Criteria 13 December 2019. Collection method: clinical testing. Allele origin: germline.

PreventionGenetics, part of Exact Sciences
Classification: Likely benign for TERT-related condition. Last evaluated: 2019-06-04. Review status: no assertion criteria provided. Collection method: clinical testing. Allele origin: germline. Not counted in ClinVar's aggregate classification.
Comment: This variant is classified as likely benign based on ACMG/AMP sequence variant interpretation guidelines (Richards et al. 2015 PMID: 25741868, with internal and published modifications).

NM_198253.3(TERT):c.2001C>T (p.Tyr667=)

Gene: TERT (telomerase reverse transcriptase; minus strand). Cytogenetic location: 5p15.33.
Variant type: single nucleotide variant.
Coding change: c.2001C>T on transcript NM_198253.3 (MANE Select); coding-DNA position 2001, C replaced by T.
Protein change: p.Tyr667=; no amino-acid change (tyrosine 667 retained).
Molecular consequence: synonymous variant. On other transcripts: non-coding transcript variant (2).
Genome position (GRCh38, 1-based): chr5:1,279,420, G>A on the plus strand (C>T on the coding strand, the complement: TERT is on the minus strand). VCF-style: chr5-1279420-G-A. GRCh37 (hg19) VCF-style: chr5-1279535-G-A.
Other names: c.2001C>T, p.Tyr667= (NM_001193376.3).
Identifiers: ClinVar variation 242221 (VCV000242221.23), dbSNP rs758494245, ClinGen allele CA3184691.
Genomic context (GRCh38, chr5:1,279,420, plus strand): 5'-GTGGATATCGTCCAGGCCCAGCACAGAGGCGCCCAGGAGGCCGGGGCGCCGCGCCCGCTC[G>A]TAGTTGAGCACGCTGAACAGTGCCTTCACCCTCGAGGTGAGACGCTCGGCCTGGCGGGGA-3'
Protein context (NP_937983.2, residues 657-677): RVKALFSVLN[Tyr667=]ERARRPGLLG